The following is an entry in ClinVar:

ClinVar aggregate classification (germline): Uncertain significance (1 of 4 stars; one submission).

Conditions:
Proteosome-associated autoinflammatory syndrome. Also called: Proteasome-associated autoinflammatory syndrome. Identifiers: Orphanet 324977, MedGen C1850568, MONDO:0009726.

Submission:

Labcorp Genetics (formerly Invitae), Labcorp
Classification: Uncertain significance for Proteosome-associated autoinflammatory syndrome. Last evaluated: 2022-01-19. Review status: criteria provided, single submitter. Criteria: Invitae Variant Classification Sherloc (09022015). Collection method: clinical testing. Allele origin: germline.
Comment: This sequence change replaces leucine, which is neutral and non-polar, with arginine, which is basic and polar, at codon 267 of the PSMB8 protein (p.Leu267Arg). This variant is not present in population databases (gnomAD no frequency). This variant has not been reported in the literature in individuals affected with PSMB8-related conditions. ClinVar contains an entry for this variant (Variation ID: 533957). Algorithms developed to predict the effect of missense changes on protein structure and function (SIFT, PolyPhen-2, Align-GVGD) all suggest that this variant is likely to be disruptive. In summary, the available evidence is currently insufficient to determine the role of this variant in disease. Therefore, it has been classified as a Variant of Uncertain Significance.

NM_148919.4(PSMB8):c.800T>G (p.Leu267Arg)

Gene: PSMB8 (proteasome 20S subunit beta 8; minus strand). Cytogenetic location: 6p21.32.
Variant type: single nucleotide variant.
Coding change: c.800T>G on transcript NM_148919.4 (MANE Select); coding-DNA position 800, T replaced by G.
Protein change: p.Leu267Arg; replaces leucine 267 with arginine.
Molecular consequence: missense variant.
Genome position (GRCh38, 1-based): chr6:32,840,990, A>C on the plus strand (T>G on the coding strand, the complement: PSMB8 is on the minus strand). VCF-style: chr6-32840990-A-C. GRCh37 (hg19) VCF-style: chr6-32808767-A-C.
Other names: c.788T>G, p.Leu263Arg (LRG_1328t2, NM_004159.5); c.800T>G, p.Leu267Arg (LRG_1328t1); short protein forms L263R, L267R.
Identifiers: ClinVar variation 533957 (VCV000533957.9), dbSNP rs1554238585, ClinGen allele CA363588152.
Genomic context (GRCh38, chr6:32,840,990, plus strand): 5'-GGAGACCTGCCCAGCTGCCACCACCACCATTATTGATTGGCTTCCCGGTACTGGTGCAGC[A>C]GGTCACTGACATCTGTACTTTCTACTTTCACCCAACCATCTTCCTTCATGTGGTACACTG-3'
Protein context (NP_683720.2, residues 257-276): VKVESTDVSD[Leu267Arg]LHQYREANQ